The following is an entry in ClinVar:

NM_001004334.4(GPR179):c.2991C>T (p.Asn997=)

Gene: GPR179 (G protein-coupled receptor 179; minus strand). Cytogenetic location: 17q12.
Variant type: single nucleotide variant.
Coding change: c.2991C>T on transcript NM_001004334.4 (MANE Select); coding-DNA position 2991, C replaced by T.
Protein change: p.Asn997=; no amino-acid change (asparagine 997 retained).
Molecular consequence: synonymous variant.
Genome position (GRCh38, 1-based): chr17:38,330,578, G>A on the plus strand (C>T on the coding strand, the complement: GPR179 is on the minus strand). VCF-style: chr17-38330578-G-A. GRCh37 (hg19) VCF-style: chr17-36486461-G-A.
Identifiers: ClinVar variation 1608513 (VCV001608513.14), dbSNP rs775205598, ClinGen allele CA290105445.

ClinVar aggregate classification (germline): Likely benign. Review status: criteria provided, multiple submitters, no conflicts (2 of 4 stars). 2 submissions from 2 submitters: Likely benign (2). Last evaluated 2025-11-01.

Allele frequency attached by ClinVar (database versions not stated): ExAC 0.00003; gnomAD 0.00004 and 0.00005; gnomAD exomes 0.00004; TOPMed 0.00008.

Submissions (2):

CeGaT Center for Human Genetics Tuebingen
Classification: Likely benign. Last evaluated: 2025-11-01. Review status: criteria provided, single submitter. Criteria: CeGaT Center For Human Genetics Tuebingen Variant Classification Criteria Version 2. Collection method: clinical testing. Allele origin: germline. Affected: yes. Observed: 1 variant allele.
Comment: GPR179: BP4, BP7

Labcorp Genetics (formerly Invitae), Labcorp
Classification: Likely benign. Last evaluated: 2025-09-15. Review status: criteria provided, single submitter. Criteria: Invitae Variant Classification Sherloc (09022015). Collection method: clinical testing. Allele origin: germline.